The following is an entry in ClinVar:

ClinVar aggregate classification (germline): Uncertain significance (1 of 4 stars; one submission).

Submission:

GeneDx
Classification: Uncertain significance. Last evaluated: 2024-06-06. Review status: criteria provided, single submitter. Criteria: GeneDx Variant Classification Process June 2021. Collection method: clinical testing. Allele origin: germline. Affected: yes.
Comment: Not observed at significant frequency in large population cohorts (gnomAD); In silico analysis supports a deleterious effect on protein structure/function; Has not been previously published as pathogenic or benign to our knowledge

NM_021956.5(GRIK2):c.1537_1538delinsAG (p.Ala513Arg)

Gene: GRIK2 (glutamate ionotropic receptor kainate type subunit 2; plus strand). Cytogenetic location: 6q16.3.
Variant type: Indel.
Coding change: c.1537_1538delinsAG on transcript NM_021956.5 (MANE Select); coding-DNA positions 1537 to 1538, GC replaced by AG.
Protein change: p.Ala513Arg; replaces alanine 513 with arginine.
Molecular consequence: missense variant.
Genome position (GRCh38, 1-based): chr6:101,889,652-101,889,653, GC replaced by AG. VCF-style: chr6-101889652-GC-AG. GRCh37 (hg19) VCF-style: chr6-102337527-GC-AG.
Other names: c.1537_1538delinsAG, p.Ala513Arg (NM_001166247.1, NM_175768.3); short protein forms A513R.
Identifiers: ClinVar variation 3253029 (VCV003253029.1), dbSNP rs2484644448.